The following is an entry in ClinVar:

NM_030912.3(TRIM8):c.1272C>T (p.His424=)

Gene: TRIM8 (tripartite motif containing 8; plus strand). Cytogenetic location: 10q24.32.
Variant type: single nucleotide variant.
Coding change: c.1272C>T on transcript NM_030912.3 (MANE Select); coding-DNA position 1272, C replaced by T.
Protein change: p.His424=; no amino-acid change (histidine 424 retained).
Molecular consequence: synonymous variant. On other transcripts: non-coding transcript variant (1).
Genome position (GRCh38, 1-based): chr10:102,656,970, C>T. VCF-style: chr10-102656970-C-T. GRCh37 (hg19) VCF-style: chr10-104416727-C-T.
Other names: c.1176C>T, p.His392= (NM_001345950.1).
Identifiers: ClinVar variation 4982125 (VCV004982125.1).

ClinVar aggregate classification (germline): Likely benign (1 of 4 stars; one submission).

Conditions:
TRIM8-related disorder. Also called: TRIM8-related condition.

Submission:

PreventionGenetics, part of Exact Sciences
Classification: Likely benign for TRIM8-related condition. Last evaluated: 2025-07-18. Review status: criteria provided, single submitter. Criteria: ACMG Guidelines, 2015. Collection method: clinical testing. Allele origin: germline.
Comment: This variant is classified as likely benign based on ACMG/AMP sequence variant interpretation guidelines (Richards et al. 2015 PMID: 25741868, with internal and published modifications).